The following is an entry in ClinVar:

ClinVar aggregate classification (germline): Uncertain significance. Review status: criteria provided, multiple submitters, no conflicts (2 of 4 stars). 2 submissions from 2 submitters: Uncertain significance (2). Last evaluated 2024-11-24.

Conditions:
Haddad syndrome (OHD). Also called: Ondine-Hirschsprung disease. Identifiers: Orphanet 99803, MedGen C1859049, MONDO:0020493.
Hereditary cancer-predisposing syndrome. Also called: Tumor predisposition; Hereditary neoplastic syndrome; Neoplastic Syndromes, Hereditary; Hereditary Cancer Syndrome. Identifiers: Orphanet 140162, MedGen C0027672, MeSH D009386, MONDO:0015356.

Allele frequency attached by ClinVar (database versions not stated): gnomAD exomes below 0.00001.
gnomAD v4.1: 3 of 1,330,752 alleles (0.00023%); highest among the groups gnomAD compares: East Asian, 0.0029%; no homozygotes.

Submissions (2):

Ambry Genetics
Classification: Uncertain significance for Hereditary cancer-predisposing syndrome. Last evaluated: 2024-11-24. Review status: criteria provided, single submitter. Criteria: Ambry Variant Classification Scheme 2023. Collection method: clinical testing. Allele origin: germline.
Comment: The p.G261E variant (also known as c.782G>A), located in coding exon 3 of the PHOX2B gene, results from a G to A substitution at nucleotide position 782. The glycine at codon 261 is replaced by glutamic acid, an amino acid with similar properties. This amino acid position is conserved. In addition, the in silico prediction for this alteration is inconclusive. Based on the available evidence, the clinical significance of this variant remains unclear.

Labcorp Genetics (formerly Invitae), Labcorp
Classification: Uncertain significance for Haddad syndrome. Last evaluated: 2019-12-12. Review status: criteria provided, single submitter. Criteria: Invitae Variant Classification Sherloc (09022015). Collection method: clinical testing. Allele origin: germline.
Comment: In summary, the available evidence is currently insufficient to determine the role of this variant in disease. Therefore, it has been classified as a Variant of Uncertain Significance. This variant has not been reported in the literature in individuals with PHOX2B-related conditions. This variant is not present in population databases (ExAC no frequency). This sequence change replaces glycine with glutamic acid at codon 261 of the PHOX2B protein (p.Gly261Glu). The glycine residue is moderately conserved and there is a moderate physicochemical difference between glycine and glutamic acid.

NM_003924.4(PHOX2B):c.782G>A (p.Gly261Glu)

Gene: PHOX2B (paired like homeobox 2B; minus strand). Cytogenetic location: 4p13.
Variant type: single nucleotide variant.
Coding change: c.782G>A on transcript NM_003924.4 (MANE Select); coding-DNA position 782, G replaced by A.
Protein change: p.Gly261Glu; replaces glycine 261 with glutamic acid.
Molecular consequence: missense variant.
Genome position (GRCh38, 1-based): chr4:41,745,970, C>T on the plus strand (G>A on the coding strand, the complement: PHOX2B is on the minus strand). VCF-style: chr4-41745970-C-T. GRCh37 (hg19) VCF-style: chr4-41747987-C-T.
Other names: short protein forms G261E.
Identifiers: ClinVar variation 862178 (VCV000862178.10), dbSNP rs1733874037, ClinGen allele CA356737144.